The following is an entry in ClinVar:

ClinVar aggregate classification (germline): Uncertain significance (1 of 4 stars; one submission).

Conditions:
Brugada syndrome 4 (BRGDA4). Identifiers: Orphanet 130, MedGen C2678477, MONDO:0012743, OMIM 611876.

gnomAD v4.1: 1 of 1,614,014 alleles (0.000062%); highest among the groups gnomAD compares: Admixed American, 0.0017%; no homozygotes.

Submission:

Labcorp Genetics (formerly Invitae), Labcorp
Classification: Uncertain significance for Brugada syndrome 4. Last evaluated: 2022-08-09. Review status: criteria provided, single submitter. Criteria: Invitae Variant Classification Sherloc (09022015). Collection method: clinical testing. Allele origin: germline.
Comment: This sequence change replaces aspartic acid, which is acidic and polar, with alanine, which is neutral and non-polar, at codon 519 of the CACNB2 protein (p.Asp519Ala). This variant is present in population databases (rs773534767, gnomAD 0.003%). This variant has not been reported in the literature in individuals affected with CACNB2-related conditions. ClinVar contains an entry for this variant (Variation ID: 1368112). Algorithms developed to predict the effect of missense changes on protein structure and function (SIFT, PolyPhen-2, Align-GVGD) all suggest that this variant is likely to be tolerated. In summary, the available evidence is currently insufficient to determine the role of this variant in disease. Therefore, it has been classified as a Variant of Uncertain Significance.

NM_201596.3(CACNB2):c.1718A>C (p.Asp573Ala)

Gene: CACNB2 (calcium voltage-gated channel auxiliary subunit beta 2; plus strand). Cytogenetic location: 10p12.31.
Variant type: single nucleotide variant.
Coding change: c.1718A>C on transcript NM_201596.3 (MANE Select); coding-DNA position 1718, A replaced by C.
Protein change: p.Asp573Ala; replaces aspartic acid 573 with alanine.
Molecular consequence: missense variant.
Genome position (GRCh38, 1-based): chr10:18,539,459, A>C. VCF-style: chr10-18539459-A-C. GRCh37 (hg19) VCF-style: chr10-18828388-A-C.
Other names: c.1553A>C, p.Asp518Ala (NM_000724.4); c.1520A>C, p.Asp507Ala (NM_001167945.2); c.1439A>C, p.Asp480Ala (NM_001330060.2); c.1574A>C, p.Asp525Ala (NM_201570.3); c.1634A>C, p.Asp545Ala (NM_201571.4); c.1562A>C, p.Asp521Ala (NM_201572.4); c.1556A>C, p.Asp519Ala (NM_201590.3); c.1604A>C, p.Asp535Ala (NM_201593.3); and 1 more; short protein forms D507A, D519A, D525A, D545A, D573A, D518A, D521A, D549A.
Identifiers: ClinVar variation 1368112 (VCV001368112.6), dbSNP rs773534767, ClinGen allele CA5430143.